The following is an entry in ClinVar:

ClinVar aggregate classification (germline): Benign/Likely benign. Review status: criteria provided, multiple submitters, no conflicts (2 of 4 stars). 18 submissions from 16 submitters: Benign (15); Likely benign (1). 2 of the submissions do not count toward it. Last evaluated 2026-02-04.

Conditions:
Cardiovascular phenotype. Identifiers: MedGen CN230736.
Familial thoracic aortic aneurysm and aortic dissection (TAAD). Also called: Thoracic aortic aneurysms and dissections. Identifiers: Orphanet 91387, MedGen C4707243, MONDO:0019625.
Lissencephaly 4 (LIS4). Also called: Lissencephaly 4 (with microcephaly). Identifiers: Orphanet 1083, MedGen C3151461, MONDO:0013527, OMIM 614019.
Aortic aneurysm, familial thoracic 4 (AAT4). Also called: AORTIC ANEURYSM/AORTIC DISSECTION AND PATENT DUCTUS ARTERIOSUS. Identifiers: MedGen C1851504, MONDO:0007568, OMIM 132900.

Allele frequency attached by ClinVar (database versions not stated): 1000 Genomes Project 0.02017; 1000 Genomes Project 30x 0.02124; gnomAD 0.03954; ExAC 0.03976; TOPMed 0.04073; ESP Exome Variant Server 0.04771; gnomAD exomes 0.05813.
gnomAD v4.1: 91,037 of 1,613,508 alleles (5.6%); highest among the groups gnomAD compares: Non-Finnish European, 6.7%; 3,024 homozygotes.

Submissions (18):

Labcorp Genetics (formerly Invitae), Labcorp
Classification: Benign for Aortic aneurysm, familial thoracic 4. Last evaluated: 2026-02-04. Review status: criteria provided, single submitter. Criteria: Invitae Variant Classification Sherloc (09022015). Collection method: clinical testing. Allele origin: germline.

ARUP Laboratories, Molecular Genetics and Genomics, ARUP Laboratories
Classification: Benign. Last evaluated: 2025-07-28. Review status: criteria provided, single submitter. Criteria: ARUP Molecular Germline Variant Investigation Process 2024. Collection method: clinical testing. Allele origin: germline.

Molecular Diagnostic Laboratory for Inherited Cardiovascular Disease, Montreal Heart Institute
Classification: Benign. Last evaluated: 2025-04-09. Review status: criteria provided, single submitter. Criteria: ACMG Guidelines, 2015. Collection method: clinical testing. Allele origin: germline. Affected: no.

Blueprint Genetics
Classification: Benign. Last evaluated: 2024-11-27. Review status: criteria provided, single submitter. Criteria: ACMG Guidelines, 2015. Collection method: clinical testing. Allele origin: germline.

All of Us Research Program, National Institutes of Health
Classification: Benign for Familial thoracic aortic aneurysm and aortic dissection. Last evaluated: 2024-02-05. Review status: criteria provided, single submitter. Criteria: ACMG Guidelines, 2015. Collection method: clinical testing. Allele origin: germline. Inheritance: Autosomal dominant inheritance. Observed: 11,363 variant alleles, 10,968 heterozygotes, 395 homozygotes.
Comment: This study involves interpretation of variants in research participants for the purpose of population health screening. Participant phenotype was not available at the time of variant classification. Additional details can be found in publication PMID: 35346344, PMCID: PMC8962531

Color Diagnostics, LLC DBA Color Health
Classification: Benign for Familial thoracic aortic aneurysm and aortic dissection. Last evaluated: 2018-03-07. Review status: criteria provided, single submitter. Criteria: ACMG Guidelines, 2015. Collection method: clinical testing. Allele origin: germline.

Illumina Laboratory Services, Illumina
Classification: Benign for Aortic aneurysm, familial thoracic 4. Last evaluated: 2018-01-12. Review status: criteria provided, single submitter. Criteria: ICSL Variant Classification Criteria 13 December 2019. Collection method: clinical testing. Allele origin: germline.
Comment: This variant was observed in the ICSL laboratory as part of a predisposition screen in an ostensibly healthy population. It had not been previously curated by ICSL or reported in the Human Gene Mutation Database (HGMD: prior to June 1st, 2018), and was therefore a candidate for classification through an automated scoring system. Utilizing variant allele frequency, disease prevalence and penetrance estimates, and inheritance mode, an automated score was calculated to assess if this variant is too frequent to cause the disease. Based on the score and internal cut-off values, a variant classified as benign is not then subjected to further curation. The score for this variant resulted in a classification of benign for this disease.

Illumina Laboratory Services, Illumina
Classification: Benign for Lissencephaly 4. Last evaluated: 2018-01-12. Review status: criteria provided, single submitter. Criteria: ICSL Variant Classification Criteria 13 December 2019. Collection method: clinical testing. Allele origin: germline.
Comment: the same text as in the submission from Illumina Laboratory Services, Illumina above.

Ambry Genetics
Classification: Benign for Familial thoracic aortic aneurysm and aortic dissection. Last evaluated: 2015-06-19. Review status: criteria provided, single submitter. Criteria: Ambry Autosomal Dominant and X-Linked criteria (10/2015). Collection method: clinical testing. Allele origin: germline. Observed: 1 variant allele.
Comment: General population or subpopulation frequency is too high to be a pathogenic mutation based on disease/syndrome prevalence and penetrance

Ambry Genetics
Classification: Benign for Cardiovascular phenotype. Last evaluated: 2014-11-24. Review status: criteria provided, single submitter. Criteria: Ambry Autosomal Dominant and X-Linked criteria (10/2015). Collection method: clinical testing. Allele origin: germline. Observed: 1 variant allele.

Genome Diagnostics Laboratory, University Medical Center Utrecht
Classification: Benign for Aortic aneurysm, familial thoracic 4. Last evaluated: 2014-10-09. Review status: criteria provided, single submitter. Criteria: ACGS Guidelines, 2013. Collection method: clinical testing. Allele origin: germline. Affected: yes. Study: VKGL Data-share Consensus.

Mayo Clinic Laboratories, Mayo Clinic
Classification: Benign. Last evaluated: 2014-04-03. Review status: criteria provided, single submitter. Criteria: ACMG Guidelines, 2015. Collection method: clinical testing. Allele origin: germline. Observed: 149 variant alleles.

GeneDx
Classification: Benign. Last evaluated: 2013-09-25. Review status: criteria provided, single submitter. Criteria: GeneDx Variant Classification (06012015). Collection method: clinical testing. Allele origin: germline. Affected: yes.
Comment: This variant is considered likely benign or benign based on one or more of the following criteria: it is a conservative change, it occurs at a poorly conserved position in the protein, it is predicted to be benign by multiple in silico algorithms, and/or has population frequency not consistent with disease.

Laboratory for Molecular Medicine, Mass General Brigham Personalized Medicine
Classification: Benign. Last evaluated: 2013-04-04. Review status: criteria provided, single submitter. Criteria: LMM Criteria. Collection method: clinical testing. Allele origin: germline. Observed: 4 variant alleles.
Comment: Val1296Ala in exon 30 of MYH11: This variant is not expected to have clinical si gnificance because it has been identified in 6.5% (560/8600) of European America n chromosomes from a broad population by the NHLBI Exome Sequencing Project (dbSNP rs16967510).

Breakthrough Genomics
Classification: Likely benign. Review status: criteria provided, single submitter. Criteria: ACMG Guidelines, 2015. Collection method: not provided. Allele origin: germline. Inheritance: Autosomal recessive inheritance. Affected: yes.

PreventionGenetics, part of Exact Sciences
Classification: Benign. Review status: criteria provided, single submitter. Criteria: ACMG Guidelines, 2015. Collection method: clinical testing. Allele origin: germline.

Genome Diagnostics Laboratory, Amsterdam University Medical Center
Classification: Benign for Aortic aneurysm, familial thoracic 4. Last evaluated: 2014-02-04. Review status: no assertion criteria provided. Criteria: ACGS Guidelines, 2013. Collection method: clinical testing. Allele origin: germline. Affected: yes. Study: VKGL Data-share Consensus. Not counted in ClinVar's aggregate classification.

Clinical Genetics DNA and cytogenetics Diagnostics Lab, Erasmus MC, Erasmus Medical Center
Classification: Benign. Review status: no assertion criteria provided. Collection method: clinical testing. Allele origin: germline. Affected: yes. Study: VKGL Data-share Consensus. Not counted in ClinVar's aggregate classification.

NM_002474.3(MYH11):c.3866T>C (p.Val1289Ala)

Genes: MYH11 (myosin heavy chain 11; minus strand), NDE1 (nudE neurodevelopment protein 1; plus strand). Cytogenetic location: 16p13.11.
Variant type: single nucleotide variant.
Coding change: c.3866T>C on transcript NM_002474.3 (MANE Select); coding-DNA position 3866, T replaced by C.
Protein change: p.Val1289Ala; replaces valine 1289 with alanine.
Molecular consequence: missense variant. On other transcripts: 3 prime UTR variant (2).
Genome position (GRCh38, 1-based): chr16:15,724,985, A>G on the plus strand (T>C on the coding strand, the complement: MYH11 is on the minus strand). VCF-style: chr16-15724985-A-G. GRCh37 (hg19) VCF-style: chr16-15818842-A-G.
Other names: p.V1289A:GTT>GCT; c.3887T>C, p.Val1296Ala (NM_001040113.2, NM_001040114.2); c.3866T>C, p.Val1289Ala (NM_022844.3); c.*734A>G (NM_001143979.2, NM_017668.3); short protein forms V1296A, V1289A.
Identifiers: ClinVar variation 138337 (VCV000138337.46), dbSNP rs16967510, ClinGen allele CA292291.
Genomic context (GRCh38, chr16:15,724,985, plus strand): 5'-TCCTTGGCCAGCTTAATGGCCTTCCCCTCGGCCTCGTTAAGCATCCCTGTGACGCTCTCA[A>G]CTTCATTCTAAGGGTGCCAAGAGACTGGTTAGTCAAAGCCTCTAGAAGGGGATCCTCGTT-3'
Protein context (NP_002465.1, residues 1279-1299): NDKVHKLQNE[Val1289Ala]ESVTGMLNEA